The following is an entry in ClinVar:

ClinVar aggregate classification (germline): Conflicting classifications of pathogenicity. Review status: criteria provided, conflicting classifications (1 of 4 stars). 2 submissions from 2 submitters: Uncertain significance (1); Likely benign (1). Last evaluated 2026-03-16.

Conditions:
EP300-related disorder. Also called: EP300-related disorders; EP300-related condition.
Rubinstein-Taybi syndrome due to EP300 haploinsufficiency. Also called: EP300-Related Rubinstein-Taybi Syndrome; RUBINSTEIN-TAYBI SYNDROME 2. Identifiers: Orphanet 353284, Orphanet 783, MedGen C3150941, MONDO:0013364, OMIM 613684.

Allele frequency attached by ClinVar (database versions not stated): gnomAD 0.00001; ExAC 0.00002; gnomAD exomes 0.00002.
gnomAD v4.1: 25 of 1,614,058 alleles (0.0015%); highest among the groups gnomAD compares: Non-Finnish European, 0.00076%; no homozygotes.

Submissions (2):

PreventionGenetics, part of Exact Sciences
Classification: Uncertain significance for EP300-related condition. Last evaluated: 2026-03-16. Review status: criteria provided, single submitter. Criteria: ACMG Guidelines, 2015. Collection method: clinical testing. Allele origin: germline.
Comment: The EP300 c.2974A>G variant is predicted to result in the amino acid substitution p.Thr992Ala. To our knowledge, this variant has not been reported in the literature. This variant is reported in 0.060% of alleles in individuals of Ashkenazi Jewish descent in gnomAD. Although we suspect that this variant may be benign, at this time, the clinical significance of this variant is uncertain due to the absence of conclusive functional and genetic evidence.

Labcorp Genetics (formerly Invitae), Labcorp
Classification: Likely benign for Rubinstein-Taybi syndrome due to EP300 haploinsufficiency. Last evaluated: 2023-08-10. Review status: criteria provided, single submitter. Criteria: Invitae Variant Classification Sherloc (09022015). Collection method: clinical testing. Allele origin: germline.

NM_001429.4(EP300):c.2974A>G (p.Thr992Ala)

Genes: EP300 (EP300 lysine acetyltransferase; plus strand), LOC126863158 (BRD4-independent group 4 enhancer GRCh37_chr22:41547383-41548582; plus strand). Cytogenetic location: 22q13.2.
Variant type: single nucleotide variant.
Coding change: c.2974A>G on transcript NM_001429.4 (MANE Select); coding-DNA position 2974, A replaced by G.
Protein change: p.Thr992Ala; replaces threonine 992 with alanine.
Molecular consequence: missense variant.
Genome position (GRCh38, 1-based): chr22:41,151,989, A>G. VCF-style: chr22-41151989-A-G. GRCh37 (hg19) VCF-style: chr22-41547993-A-G.
Other names: c.2896A>G, p.Thr966Ala (NM_001362843.2); c.2974A>G (NM_001429.3); short protein forms T966A, T992A.
Identifiers: ClinVar variation 2920039 (VCV002920039.4), dbSNP rs775729787, ClinGen allele CA10253002.